The following is an entry in ClinVar:

ClinVar aggregate classification (germline): Uncertain significance (1 of 4 stars; one submission).

Submission:

GeneDx
Classification: Uncertain significance. Last evaluated: 2023-10-30. Review status: criteria provided, single submitter. Criteria: GeneDx Variant Classification Process June 2021. Collection method: clinical testing. Allele origin: germline. Affected: yes.
Comment: Not observed at significant frequency in large population cohorts (gnomAD); In silico analysis supports that this missense variant has a deleterious effect on protein structure/function; Has not been previously published as pathogenic or benign to our knowledge

NM_016146.6(TRAPPC4):c.296G>T (p.Gly99Val)

Gene: TRAPPC4 (trafficking protein particle complex subunit 4; plus strand). Cytogenetic location: 11q23.3.
Variant type: single nucleotide variant.
Coding change: c.296G>T on transcript NM_016146.6 (MANE Select); coding-DNA position 296, G replaced by T.
Protein change: p.Gly99Val; replaces glycine 99 with valine.
Molecular consequence: missense variant. On other transcripts: 5 prime UTR variant (1), intron variant (3).
Genome position (GRCh38, 1-based): chr11:119,019,263, G>T. VCF-style: chr11-119019263-G-T. GRCh37 (hg19) VCF-style: chr11-118889973-G-T.
Other names: c.82G>T, p.Ala28Ser (NM_001318486.2); c.296G>T, p.Gly99Val (NM_001318488.2); c.-127G>T (NM_001318492.2); c.243+53G>T (NM_001318489.2); c.221+75G>T (NM_001318490.2); c.175+293G>T (NM_001318494.2); short protein forms A28S, G99V.
Identifiers: ClinVar variation 3363372 (VCV003363372.1).
Genomic context (GRCh38, chr11:119,019,263, plus strand): 5'-GGAAAGAGGTGCTGGAGTATCTGGGTAACCCTGCTAATTACCCGGTGTCCATTCGATTTG[G>T]CCGGCCCCGCCTCACTTCTAATGAGAAGCTTATGCTGGCCTCCATGTTCCACTCGTAAGT-3'
Protein context (NP_057230.1, residues 89-109): PANYPVSIRF[Gly99Val]RPRLTSNEKL